The following is an entry in ClinVar:

ClinVar aggregate classification (germline): Uncertain significance. Review status: criteria provided, multiple submitters, no conflicts (2 of 4 stars). 5 submissions from 5 submitters: Uncertain significance (5). Last evaluated 2025-10-14.

Conditions:
Hypertrophic cardiomyopathy 14. Identifiers: MedGen C2750467, MONDO:0013197, OMIM 613251.
Atrial septal defect 3 (ASD3). Identifiers: Orphanet 1478, MedGen C3279790, MONDO:0013567, OMIM 614089.
Hypertrophic cardiomyopathy 1 (CMH1). Also called: MYH7-Related Familial Hypertrophic Cardiomyopathy; Familial hypertrophic cardiomyopathy 1. Identifiers: MedGen C3495498, MONDO:0008647, OMIM 192600.
Dilated cardiomyopathy 1EE (CMD1EE). Identifiers: Orphanet 154, MedGen C2750466, MONDO:0013198, OMIM 613252.
Sick sinus syndrome 3, susceptibility to (SSS3). Identifiers: Orphanet 166282, MedGen C3279791, MONDO:0013568, OMIM 614090.
Cardiovascular phenotype. Identifiers: MedGen CN230736.

Allele frequency attached by ClinVar (database versions not stated): gnomAD exomes below 0.00001; ExAC 0.00001; gnomAD 0.00003 and 0.00004; TOPMed 0.00004.

Submissions (5):

Ambry Genetics
Classification: Uncertain significance for Cardiovascular phenotype. Last evaluated: 2025-10-14. Review status: criteria provided, single submitter. Criteria: Ambry Variant Classification Scheme 2023. Collection method: clinical testing. Allele origin: germline.
Comment: The p.Q1042K variant (also known as c.3124C>A), located in coding exon 22 of the MYH6 gene, results from a C to A substitution at nucleotide position 3124. The glutamine at codon 1042 is replaced by lysine, an amino acid with similar properties. This amino acid position is conserved. In addition, this alteration is predicted to be deleterious by in silico analysis. Since supporting evidence is limited at this time, the clinical significance of this alteration remains unclear.

Labcorp Genetics (formerly Invitae), Labcorp
Classification: Uncertain significance for Hypertrophic cardiomyopathy 14. Last evaluated: 2025-05-27. Review status: criteria provided, single submitter. Criteria: Invitae Variant Classification Sherloc (09022015). Collection method: clinical testing. Allele origin: germline.
Comment: This sequence change replaces glutamine, which is neutral and polar, with lysine, which is basic and polar, at codon 1042 of the MYH6 protein (p.Gln1042Lys). The frequency data for this variant in the population databases is considered unreliable, as metrics indicate poor data quality at this position in the gnomAD database. This variant has not been reported in the literature in individuals affected with MYH6-related conditions. ClinVar contains an entry for this variant (Variation ID: 633328). An algorithm developed to predict the effect of missense changes on protein structure and function (PolyPhen-2) suggests that this variant is likely to be disruptive. In summary, the available evidence is currently insufficient to determine the role of this variant in disease. Therefore, it has been classified as a Variant of Uncertain Significance.

GeneDx
Classification: Uncertain significance. Last evaluated: 2023-02-12. Review status: criteria provided, single submitter. Criteria: GeneDx Variant Classification Process June 2021. Collection method: clinical testing. Allele origin: germline. Affected: yes.
Comment: Not observed at significant frequency in large population cohorts (gnomAD); In silico analysis supports that this missense variant has a deleterious effect on protein structure/function; Has not been previously published as pathogenic or benign to our knowledge

Fulgent Genetics
Classification: Uncertain significance for Hypertrophic cardiomyopathy 1; Hypertrophic cardiomyopathy 14; Dilated cardiomyopathy 1EE; Atrial septal defect 3; Sick sinus syndrome 3, susceptibility to. Last evaluated: 2021-08-20. Review status: criteria provided, single submitter. Criteria: ACMG Guidelines, 2015. Collection method: clinical testing. Allele origin: unknown.

Women's Health and Genetics/Laboratory Corporation of America, LabCorp
Classification: Uncertain significance. Last evaluated: 2018-05-08. Review status: criteria provided, single submitter. Criteria: LabCorp Variant Classification Summary - May 2015. Collection method: clinical testing. Allele origin: germline.
Comment: Variant summary: MYH6 c.3124C>A (p.Gln1042Lys) results in a conservative amino acid change located in the Myosin tail domain of the encoded protein sequence. Three of five in-silico tools predict a damaging effect of the variant on protein function. The variant allele was found at a frequency of 8.2e-06 in 121402 control chromosomes. The available data on variant occurrences in the general population are insufficient to allow any conclusion about variant significance. To our knowledge, no occurrence of c.3124C>A in individuals affected with Cardiomyopathy and no experimental evidence demonstrating its impact on protein function have been reported. No clinical diagnostic laboratories have submitted clinical-significance assessments for this variant to ClinVar after 2014. Based on the evidence outlined above, the variant was classified as uncertain significance.

NM_002471.4(MYH6):c.3124C>A (p.Gln1042Lys)

Gene: MYH6 (myosin heavy chain 6; minus strand). Cytogenetic location: 14q11.2.
Variant type: single nucleotide variant.
Coding change: c.3124C>A on transcript NM_002471.4 (MANE Select); coding-DNA position 3124, C replaced by A.
Protein change: p.Gln1042Lys; replaces glutamine 1042 with lysine.
Molecular consequence: missense variant.
Genome position (GRCh38, 1-based): chr14:23,393,039, G>T on the plus strand (C>A on the coding strand, the complement: MYH6 is on the minus strand). VCF-style: chr14-23393039-G-T. GRCh37 (hg19) VCF-style: chr14-23862248-G-T.
Other names: short protein forms Q1042K.
Identifiers: ClinVar variation 633328 (VCV000633328.10), dbSNP rs756244326, ClinGen allele CA7115296.